The following is an entry in ClinVar:

ClinVar aggregate classification (germline): Likely benign. Review status: criteria provided, multiple submitters, no conflicts (2 of 4 stars). 5 submissions from 5 submitters: Likely benign (3). 2 of the submissions do not count toward it. Last evaluated 2026-01-02.

Conditions:
RTEL1-related disorder. Also called: RTEL1-related condition; RTEL1-related disorders.
Inborn genetic diseases. Identifiers: MedGen C0950123, MeSH D030342.
Pulmonary fibrosis and/or bone marrow failure, Telomere-related, 3. Also called: PULMONARY FIBROSIS AND/OR BONE MARROW FAILURE SYNDROME, TELOMERE-RELATED, 3. Identifiers: Orphanet 2032, MedGen C4225346, MONDO:0014613, OMIM 616373.
Dyskeratosis congenita, autosomal recessive 5 (DKCB5). Identifiers: MedGen C3554656, MONDO:0014076, OMIM 615190.

Allele frequency attached by ClinVar (database versions not stated): gnomAD exomes below 0.00001; ExAC 0.00001; 1000 Genomes Project 0.00020; 1000 Genomes Project 30x 0.00031.
gnomAD v4.1: 49 of 1,604,452 alleles (0.0031%); highest among the groups gnomAD compares: Non-Finnish European, 0.004%; no homozygotes.

Submissions (5):

Labcorp Genetics (formerly Invitae), Labcorp
Classification: Likely benign for Dyskeratosis congenita, autosomal recessive 5; Pulmonary fibrosis and/or bone marrow failure, Telomere-related, 3. Last evaluated: 2026-01-02. Review status: criteria provided, single submitter. Criteria: Invitae Variant Classification Sherloc (09022015). Collection method: clinical testing. Allele origin: germline.

Ambry Genetics
Classification: Likely benign for Inborn genetic diseases. Last evaluated: 2024-11-24. Review status: criteria provided, single submitter. Criteria: Ambry Variant Classification Scheme 2023. Collection method: clinical testing. Allele origin: germline.

Blueprint Genetics
Classification: Likely benign. Last evaluated: 2024-05-10. Review status: criteria provided, single submitter. Criteria: ACMG Guidelines, 2015. Collection method: clinical testing. Allele origin: germline.

Genetic Services Laboratory, University of Chicago
Classification: Likely benign. Last evaluated: 2022-12-19. Review status: no assertion criteria provided. Collection method: clinical testing. Allele origin: germline. Affected: no. Not counted in ClinVar's aggregate classification.

PreventionGenetics, part of Exact Sciences
Classification: Likely benign for RTEL1-related condition. Last evaluated: 2019-07-24. Review status: no assertion criteria provided. Collection method: clinical testing. Allele origin: germline. Not counted in ClinVar's aggregate classification.
Comment: This variant is classified as likely benign based on ACMG/AMP sequence variant interpretation guidelines (Richards et al. 2015 PMID: 25741868, with internal and published modifications).

NM_001283009.2(RTEL1):c.1419C>A (p.Arg473=)

Genes: RTEL1 (regulator of telomere elongation helicase 1; plus strand), RTEL1-TNFRSF6B (RTEL1-TNFRSF6B readthrough (NMD candidate); plus strand). Cytogenetic location: 20q13.33.
Variant type: single nucleotide variant.
Coding change: c.1419C>A on transcript NM_001283009.2 (MANE Select); coding-DNA position 1419, C replaced by A.
Protein change: p.Arg473=; no amino-acid change (arginine 473 retained).
Molecular consequence: synonymous variant. On other transcripts: non-coding transcript variant (1).
Genome position (GRCh38, 1-based): chr20:63,687,708, C>A. VCF-style: chr20-63687708-C-A. GRCh37 (hg19) VCF-style: chr20-62319061-C-A.
Other names: c.750C>A, p.Arg250= (NM_001283010.1); c.1419C>A, p.Arg473= (NM_016434.4); c.1491C>A, p.Arg497= (NM_032957.5); c.1491C>A (NM_032957.4).
Identifiers: ClinVar variation 1135124 (VCV001135124.14), dbSNP rs117195545, ClinGen allele CA9964791.